The following is an entry in ClinVar:

ClinVar aggregate classification (germline): Likely pathogenic (1 of 4 stars; one submission).

Submission:

GeneDx
Classification: Likely pathogenic. Last evaluated: 2016-06-28. Review status: criteria provided, single submitter. Criteria: GeneDx Variant Classification (06012015). Collection method: clinical testing. Allele origin: germline. Affected: yes.
Comment: The P413S variant in the ZMYND11 gene has not been reported previously as a pathogenic variant, nor as a benign variant, to our knowledge. The P413S variant was not observed in approximately 6,500 individuals of European and African American ancestry in the NHLBI Exome Sequencing Project, indicating it is not a common benign variant in these populations. The P413S variant is a non-conservative amino acid substitution, which is likely to impact secondary protein structure as these residues differ in polarity, charge, size and/or other properties. This substitution occurs at a position that is conserved across species. In silico analysis is inconsistent in its predictions as to whether or not the variant is damaging to the protein structure/function. Therefore, we interpret P413S as a likely pathogenic variant.

NM_001370100.5(ZMYND11):c.1237C>T (p.Pro413Ser)

Genes: ZMYND11 (zinc finger MYND-type containing 11; plus strand), LOC126860802 (BRD4-independent group 4 enhancer GRCh37_chr10:294268-295467; plus strand). Cytogenetic location: 10p15.3.
Variant type: single nucleotide variant.
Coding change: c.1237C>T on transcript NM_001370100.5 (MANE Select); coding-DNA position 1237, C replaced by T.
Protein change: p.Pro413Ser; replaces proline 413 with serine.
Molecular consequence: missense variant. On other transcripts: non-coding transcript variant (1).
Genome position (GRCh38, 1-based): chr10:248,345, C>T. VCF-style: chr10-248345-C-T. GRCh37 (hg19) VCF-style: chr10-294285-C-T.
Other names: c.1075C>T, p.Pro359Ser (NM_001202464.3, NM_001202467.1, NM_001370103.2 and 6 more transcripts); c.982C>T, p.Pro328Ser (NM_001202465.3, NM_001370110.2); c.1072C>T, p.Pro358Ser (NM_001202466.3, NM_001370111.2); c.1237C>T, p.Pro413Ser (NM_001202468.1, NM_001370097.3, NM_001370098.2 and 4 more transcripts); c.1186C>T, p.Pro396Ser (NM_001330057.3, NM_001370112.2); c.1144C>T, p.Pro382Ser (NM_001370113.2, NM_001370114.2); c.1234C>T, p.Pro412Ser (NM_001370115.2, NM_212479.4); c.1171C>T, p.Pro391Ser (NM_001370116.2); and 8 more; short protein forms P413S, P294S, P358S, P359S, P390S, P364S, P391S, P412S.
Identifiers: ClinVar variation 372987 (VCV000372987.1), dbSNP rs1057518121, ClinGen allele CA16042797.